The following is an entry in ClinVar:

ClinVar aggregate classification (germline): Benign. Review status: criteria provided, multiple submitters, no conflicts (2 of 4 stars). 4 submissions from 4 submitters: Benign (3). 1 of the submissions does not count toward it. Last evaluated 2026-01-26.

Conditions:
SIPA1L3-related disorder. Also called: SIPA1L3-related condition.

Allele frequency attached by ClinVar (database versions not stated): ESP Exome Variant Server 0.00713; gnomAD 0.01429 and 0.01801; TOPMed 0.01927; 1000 Genomes Project 30x 0.05262; 1000 Genomes Project 0.05292.
gnomAD v4.1: 16,794 of 1,571,042 alleles (1.1%); highest among the groups gnomAD compares: East Asian, 9.8%; 727 homozygotes.

Submissions (4):

Labcorp Genetics (formerly Invitae), Labcorp
Classification: Benign. Last evaluated: 2026-01-26. Review status: criteria provided, single submitter. Criteria: Invitae Variant Classification Sherloc (09022015). Collection method: clinical testing. Allele origin: germline.

GeneDx
Classification: Benign. Last evaluated: 2018-05-16. Review status: criteria provided, single submitter. Criteria: GeneDx Variant Classification (06012015). Collection method: clinical testing. Allele origin: germline. Affected: yes.
Comment: This variant is considered likely benign or benign based on one or more of the following criteria: it is a conservative change, it occurs at a poorly conserved position in the protein, it is predicted to be benign by multiple in silico algorithms, and/or has population frequency not consistent with disease.

Breakthrough Genomics
Classification: Benign. Review status: criteria provided, single submitter. Criteria: ACMG Guidelines, 2015. Collection method: not provided. Allele origin: germline. Inheritance: Autosomal recessive inheritance. Affected: yes.

PreventionGenetics, part of Exact Sciences
Classification: Benign for SIPA1L3-related condition. Last evaluated: 2019-06-18. Review status: no assertion criteria provided. Collection method: clinical testing. Allele origin: germline. Not counted in ClinVar's aggregate classification.
Comment: This variant is classified as benign based on ACMG/AMP sequence variant interpretation guidelines (Richards et al. 2015 PMID: 25741868, with internal and published modifications).

NM_015073.3(SIPA1L3):c.4681G>C (p.Ala1561Pro)

Gene: SIPA1L3 (signal induced proliferation associated 1 like 3; plus strand). Cytogenetic location: 19q13.13.
Variant type: single nucleotide variant.
Coding change: c.4681G>C on transcript NM_015073.3 (MANE Select); coding-DNA position 4681, G replaced by C.
Protein change: p.Ala1561Pro; replaces alanine 1561 with proline.
Molecular consequence: missense variant.
Genome position (GRCh38, 1-based): chr19:38,193,621, G>C. VCF-style: chr19-38193621-G-C. GRCh37 (hg19) VCF-style: chr19-38684261-G-C.
Other names: short protein forms A1561P.
Identifiers: ClinVar variation 681010 (VCV000681010.12), dbSNP rs61735490, ClinGen allele CA9410435.